The following is an entry in ClinVar:

NM_000298.6(PKLR):c.1150A>G (p.Thr384Ala)

Gene: PKLR (pyruvate kinase L/R; minus strand). Cytogenetic location: 1q22.
Variant type: single nucleotide variant.
Coding change: c.1150A>G on transcript NM_000298.6 (MANE Select); coding-DNA position 1150, A replaced by G.
Protein change: p.Thr384Ala; replaces threonine 384 with alanine.
Molecular consequence: missense variant.
Genome position (GRCh38, 1-based): chr1:155,293,557, T>C on the plus strand (A>G on the coding strand, the complement: PKLR is on the minus strand). VCF-style: chr1-155293557-T-C. GRCh37 (hg19) VCF-style: chr1-155263348-T-C.
Other names: c.1057A>G, p.Thr353Ala (NM_181871.4); short protein forms T353A, T384A.
Identifiers: ClinVar variation 2635160 (VCV002635160.1), dbSNP rs2525282379, ClinGen allele CA342752934.
Genomic context (GRCh38, chr1:155,293,557, plus strand): 5'-GCATGATGCAGTCAGCCCCATCCAGCACAGCATTGGCGACATCGCTTGTCTCTGCCCTCG[T>C]TGGCCGGGGCTTGGTAATCATGCTCTCCAGCATCTGGGGGACAGCGTGGATGTCAAAGTT-3'
Protein context (NP_000289.1, residues 374-394): LESMITKPRP[Thr384Ala]RAETSDVANA

ClinVar aggregate classification (germline): Uncertain significance (1 of 4 stars; one submission).

Conditions:
PKLR-related disorder. Also called: PKLR-related condition.

gnomAD v4.1: 1 of 1,614,204 alleles (0.000062%); highest among the groups gnomAD compares: Non-Finnish European, 0.000085%; no homozygotes.

Submission:

PreventionGenetics, part of Exact Sciences
Classification: Uncertain significance for PKLR-related condition. Last evaluated: 2023-03-02. Review status: criteria provided, single submitter. Criteria: ACMG Guidelines, 2015. Collection method: clinical testing. Allele origin: germline.
Comment: The PKLR c.1150A>G variant is predicted to result in the amino acid substitution p.Thr384Ala. To our knowledge, this variant has not been reported in the literature or in a large population database, indicating this variant is rare. A different missense change at the same amino acid position c.1151C>T (p.Thr384Met) has been reported in patients with pyruvate kinase deficiency (Kanno et al 1991. PubMed ID: 1896471). Although we suspect that this variant may be pathogenic, at this time, the clinical significance of this variant is uncertain due to the absence of conclusive functional and genetic evidence.